The following is an entry in ClinVar:

ClinVar aggregate classification (germline): Likely pathogenic. Review status: criteria provided, single submitter (1 of 4 stars). 2 submissions from 2 submitters: Likely pathogenic (1). 1 of the submissions does not count toward it. Last evaluated 2021-03-11.

Conditions:
Intellectual developmental disorder, X-linked, syndromic 14. Also called: Syndromic X-linked intellectual disability 14. Identifiers: Orphanet 776, MedGen C1970822, MONDO:0010398, OMIM 300676.
UPF3B-related disorder. Also called: UPF3B-related condition.

Submissions (2):

Revvity Omics, Revvity
Classification: Likely pathogenic for Intellectual developmental disorder, X-linked, syndromic 14. Last evaluated: 2021-03-11. Review status: criteria provided, single submitter. Criteria: ACMG Guidelines, 2015. Collection method: clinical testing. Allele origin: germline.

PreventionGenetics, part of Exact Sciences
Classification: Likely pathogenic for UPF3B-related condition. Last evaluated: 2024-08-23. Review status: no assertion criteria provided. Collection method: clinical testing. Allele origin: germline. Not counted in ClinVar's aggregate classification.
Comment: The UPF3B c.982G>T variant is predicted to result in premature protein termination (p.Glu328*). To our knowledge, this variant has not been reported in the literature or in a large population database, indicating this variant is rare. Nonsense variants in UPF3B are expected to be pathogenic. This variant is interpreted as likely pathogenic.

NM_080632.3(UPF3B):c.982G>T (p.Glu328Ter)

Gene: UPF3B (UPF3B regulator of nonsense mediated mRNA decay; minus strand). Cytogenetic location: Xq24.
Variant type: single nucleotide variant.
Coding change: c.982G>T on transcript NM_080632.3 (MANE Select); coding-DNA position 982, G replaced by T.
Protein change: p.Glu328Ter; replaces glutamic acid 328 with a stop codon.
Molecular consequence: nonsense.
Genome position (GRCh38, 1-based): chrX:119,838,392, C>A on the plus strand (G>T on the coding strand, the complement: UPF3B is on the minus strand). VCF-style: chrX-119838392-C-A. GRCh37 (hg19) VCF-style: chrX-118972355-C-A.
Other names: c.943G>T, p.Glu315Ter (NM_023010.4); short protein forms E315*, E328*.
Identifiers: ClinVar variation 1325336 (VCV001325336.5), dbSNP rs376175156, ClinGen allele CA414183663.